The following is an entry in ClinVar:

ClinVar aggregate classification (germline): Uncertain significance (1 of 4 stars; one submission).

Conditions:
Epidermolysis bullosa simplex 5C, with pyloric atresia (EBS5C). Also called: PLEC-Related Epidermolysis Bullosa with Pyloric Atresia; Epidermolysis bullosa simplex with pyloric atresia; PLEC1-Related Epidermolysis Bullosa with Pyloric Atresia. Identifiers: Orphanet 158684, MedGen C2677349, MONDO:0012807, OMIM 612138.
Epidermolysis bullosa simplex with nail dystrophy (EBS5D). Identifiers: MedGen C4225309, MONDO:0014661, OMIM 616487.
Epidermolysis bullosa simplex 5B, with muscular dystrophy (EBS5B). Also called: EPIDERMOLYSIS BULLOSA SIMPLEX AND LIMB-GIRDLE MUSCULAR DYSTROPHY; Epidermolysis bullosa simplex with muscular dystrophy. Identifiers: Orphanet 257, MedGen C2931072, MONDO:0009181, OMIM 226670.
Epidermolysis bullosa simplex, Ogna type (EBS5A). Also called: Pidermolysis bullosa simplex 5A, Ogna type; EPIDERMOLYSIS BULLOSA SIMPLEX 5A, OGNA TYPE. Identifiers: Orphanet 79401, MedGen C0432317, MONDO:0007555, OMIM 131950.
Autosomal recessive limb-girdle muscular dystrophy type 2Q (LGMDR17). Also called: MUSCULAR DYSTROPHY, LIMB-GIRDLE, AUTOSOMAL RECESSIVE 17. Identifiers: Orphanet 254361, MedGen C3150989, MONDO:0013390, OMIM 613723.

Allele frequency attached by ClinVar (database versions not stated): gnomAD exomes below 0.00001; ExAC 0.00006; 1000 Genomes Project 30x 0.00031.
gnomAD v4.1: 5 of 1,547,244 alleles (0.00032%); highest among the groups gnomAD compares: East Asian, 0.012%; no homozygotes.

Submission:

Labcorp Genetics (formerly Invitae), Labcorp
Classification: Uncertain significance for Autosomal recessive limb-girdle muscular dystrophy type 2Q; Epidermolysis bullosa simplex, Ogna type; Epidermolysis bullosa simplex with nail dystrophy; Epidermolysis bullosa simplex 5C, with pyloric atresia; Epidermolysis bullosa simplex 5B, with muscular dystrophy. Last evaluated: 2022-06-23. Review status: criteria provided, single submitter. Criteria: Invitae Variant Classification Sherloc (09022015). Collection method: clinical testing. Allele origin: germline.
Comment: In summary, the available evidence is currently insufficient to determine the role of this variant in disease. Therefore, it has been classified as a Variant of Uncertain Significance. Algorithms developed to predict the effect of missense changes on protein structure and function are either unavailable or do not agree on the potential impact of this missense change (SIFT: "Deleterious"; PolyPhen-2: "Not Available"; Align-GVGD: "Class C0"). This variant has not been reported in the literature in individuals affected with PLEC-related conditions. This variant is present in population databases (rs782342470, gnomAD 0.05%). This sequence change replaces glutamine, which is neutral and polar, with histidine, which is basic and polar, at codon 1381 of the PLEC protein (p.Gln1381His).

NM_201384.3(PLEC):c.4062G>C (p.Gln1354His)

Gene: PLEC (plectin; minus strand). Cytogenetic location: 8q24.3.
Variant type: single nucleotide variant.
Coding change: c.4062G>C on transcript NM_201384.3 (MANE Select); coding-DNA position 4062, G replaced by C.
Protein change: p.Gln1354His; replaces glutamine 1354 with histidine.
Molecular consequence: missense variant.
Genome position (GRCh38, 1-based): chr8:143,925,867, C>G on the plus strand (G>C on the coding strand, the complement: PLEC is on the minus strand). VCF-style: chr8-143925867-C-G. GRCh37 (hg19) VCF-style: chr8-145000035-C-G.
Other names: c.4143G>C, p.Gln1381His (NM_000445.5); c.4020G>C, p.Gln1340His (NM_201378.4); c.3996G>C, p.Gln1332His (NM_201379.3); c.4473G>C, p.Gln1491His (NM_201380.4); c.3966G>C, p.Gln1322His (NM_201381.3); c.4062G>C, p.Gln1354His (NM_201382.4); c.4074G>C, p.Gln1358His (NM_201383.3); short protein forms Q1340H, Q1332H, Q1354H, Q1381H, Q1491H, Q1322H, Q1358H.
Identifiers: ClinVar variation 2081864 (VCV002081864.4), dbSNP rs782342470, ClinGen allele CA4926779.
Genomic context (GRCh38, chr8:143,925,867, plus strand): 5'-CTGCCGCTGCTTCTCCAGCGCGGCCTCCACCTCGGCCAGCCGCTCGCGCTCCTCTGCCCG[C>G]TGCTGCTCAGCCAGCCTCTGTGGCCACAGCAGAGAGAAGAAGAGAAGCAGAGAGAGTGTG-3'
Protein context (NP_958786.1, residues 1344-1364): MEEEERLAEQ[Gln1354His]RAEERERLAE